The following is an entry in ClinVar:

NM_032578.4(MYPN):c.367C>T (p.Arg123Ter)

Gene: MYPN (myopalladin; plus strand). Cytogenetic location: 10q21.3.
Variant type: single nucleotide variant.
Coding change: c.367C>T on transcript NM_032578.4 (MANE Select); coding-DNA position 367, C replaced by T.
Protein change: p.Arg123Ter; replaces arginine 123 with a stop codon.
Molecular consequence: nonsense. On other transcripts: 5 prime UTR variant (1), non-coding transcript variant (1).
Genome position (GRCh38, 1-based): chr10:68,121,805, C>T. VCF-style: chr10-68121805-C-T. GRCh37 (hg19) VCF-style: chr10-69881562-C-T.
Other names: c.367C>T, p.Arg123Ter (NM_001256267.2); c.-756C>T (NM_001256268.2); short protein forms R123*.
Identifiers: ClinVar variation 1307167 (VCV001307167.7), dbSNP rs2133994592, ClinGen allele CA377104191.

ClinVar aggregate classification (germline): Conflicting classifications of pathogenicity. Review status: criteria provided, conflicting classifications (1 of 4 stars). 2 submissions from 2 submitters: Pathogenic (1); Uncertain significance (1). Last evaluated 2021-10-28.

Conditions:
Dilated cardiomyopathy 1KK (CMD1KK). Identifiers: Orphanet 154, Orphanet 75249, MedGen C3714995, MONDO:0014100, OMIM 615248.

Allele frequency attached by ClinVar (database versions not stated): gnomAD exomes below 0.00001.
gnomAD v4.1: 6 of 1,614,180 alleles (0.00037%); highest among the groups gnomAD compares: African/African-American, 0.0013%; no homozygotes.

Submissions (2):

Labcorp Genetics (formerly Invitae), Labcorp
Classification: Pathogenic for Dilated cardiomyopathy 1KK. Last evaluated: 2021-10-28. Review status: criteria provided, single submitter. Criteria: Invitae Variant Classification Sherloc (09022015). Collection method: clinical testing. Allele origin: germline.
Comment: This sequence change creates a premature translational stop signal (p.Arg123*) in the MYPN gene. It is expected to result in an absent or disrupted protein product. Loss-of-function variants in MYPN are known to be pathogenic (PMID: 28017374). This variant is not present in population databases (gnomAD no frequency). This variant has not been reported in the literature in individuals affected with MYPN-related conditions. For these reasons, this variant has been classified as Pathogenic.

GeneDx
Classification: Uncertain significance. Last evaluated: 2019-07-15. Review status: criteria provided, single submitter. Criteria: GeneDx Variant Classification Process June 2021. Collection method: clinical testing. Allele origin: germline. Affected: yes.
Comment: Has not been previously published as pathogenic or benign to our knowledge; Not observed in large population cohorts (Lek et al., 2016); Nonsense variant predicted to result in protein truncation or nonsense mediated decay in a gene for which loss-of-function is not a known mechanism of disease

Literature cited by the submitters: PubMed 28017374 (cited by Labcorp Genetics (formerly Invitae), Labcorp).